The following is an entry in ClinVar:

ClinVar aggregate classification (germline): Likely benign (0 of 4 stars; one submission).

Conditions:
EPPK1-related disorder. Also called: EPPK1-related condition.

Allele frequency attached by ClinVar (database versions not stated): gnomAD exomes below 0.00001; TOPMed below 0.00001.
gnomAD v4.1: 1 of 1,599,304 alleles (0.000063%); highest among the groups gnomAD compares: Non-Finnish European, 0.000085%; no homozygotes.

Submission:

PreventionGenetics, part of Exact Sciences
Classification: Likely benign for EPPK1-related condition. Last evaluated: 2021-08-10. Review status: no assertion criteria provided. Collection method: clinical testing. Allele origin: germline.
Comment: This variant is classified as likely benign based on ACMG/AMP sequence variant interpretation guidelines (Richards et al. 2015 PMID: 25741868, with internal and published modifications).

NM_031308.4(EPPK1):c.3441G>A (p.Leu1147=)

Gene: EPPK1 (epiplakin 1; minus strand). Cytogenetic location: 8q24.3.
Variant type: single nucleotide variant.
Coding change: c.3441G>A on transcript NM_031308.4 (MANE Select); coding-DNA position 3441, G replaced by A.
Protein change: p.Leu1147=; no amino-acid change (leucine 1147 retained).
Molecular consequence: synonymous variant.
Genome position (GRCh38, 1-based): chr8:143,869,813, C>T on the plus strand (G>A on the coding strand, the complement: EPPK1 is on the minus strand). VCF-style: chr8-143869813-C-T. GRCh37 (hg19) VCF-style: chr8-144943981-C-T.
Identifiers: ClinVar variation 3031817 (VCV003031817.2), dbSNP rs1819276483, ClinGen allele CA463529214.